The following is an entry in ClinVar:

NC_000003.12:g.169764898C>A

Genes: TERC (telomerase RNA component; minus strand), LOC110806306 (telomerase RNA component (TERC) promoter; plus strand). Cytogenetic location: 3q26.2.
Variant type: single nucleotide variant.
Genome position: GRCh38 VCF-style: chr3-169764898-C-A. GRCh37 (hg19) VCF-style: chr3-169482686-C-A.
Identifiers: ClinVar variation 968980 (VCV000968980.10), dbSNP rs758748876, ClinGen allele CA436715575.

ClinVar aggregate classification (germline): Uncertain significance (1 of 4 stars; one submission).

Conditions:
Dyskeratosis congenita, autosomal dominant 1 (DKCA1). Also called: Dyskeratosis congenita Scoggins type. Identifiers: Orphanet 1775, MedGen C4551974, MONDO:0007485, OMIM 127550. Inheritance: Variable.

gnomAD v4.1: 1 of 764,814 alleles (0.00013%); no homozygotes.

Submission:

Labcorp Genetics (formerly Invitae), Labcorp
Classification: Uncertain significance for Dyskeratosis congenita, autosomal dominant 1. Last evaluated: 2023-03-08. Review status: criteria provided, single submitter. Criteria: Invitae Variant Classification Sherloc (09022015). Collection method: clinical testing. Allele origin: germline.
Comment: This variant has not been reported in the literature in individuals affected with TERC-related conditions. In summary, the available evidence is currently insufficient to determine the role of this variant in disease. Therefore, it has been classified as a Variant of Uncertain Significance. This variant is located in a region of TERC in which a significant number of disease causing variants have been reported (PMID: 15082312, 21844345, 21931702). These observations suggest that this may be a clinically significant region. This variant is located within the template/pseudoknot domain of the TERC RNA component, which is required for RNA or RNP stability (PMID: 15082312, 21844345). Algorithms developed to predict the effect of sequence changes on RNA splicing suggest that this variant may disrupt the consensus splice site. ClinVar contains an entry for this variant (Variation ID: 968980). This variant is not present in population databases (gnomAD no frequency). This variant occurs in the TERC gene, which encodes an RNA molecule that does not result in a protein product.

Literature cited by the submitters: PubMed 15082312; PubMed 21844345; PubMed 21931702.